The following is an entry in ClinVar:

ClinVar aggregate classification (germline): Uncertain significance (1 of 4 stars; one submission).

Conditions:
Pontocerebellar hypoplasia type 9. Identifiers: Orphanet 369920, MedGen C4014354, MONDO:0014351, OMIM 615809.
Hereditary spastic paraplegia 63. Also called: Spastic paraplegia 63, autosomal recessive. Identifiers: Orphanet 401805, MedGen C3810295, MONDO:0014305, OMIM 615686.

Allele frequency attached by ClinVar (database versions not stated): ExAC 0.00002; gnomAD exomes 0.00002 and 0.00003; TOPMed 0.00002.
gnomAD v4.1: 41 of 1,614,162 alleles (0.0025%); highest among the groups gnomAD compares: Non-Finnish European, 0.0031%; no homozygotes.

Submission:

Labcorp Genetics (formerly Invitae), Labcorp
Classification: Uncertain significance for Pontocerebellar hypoplasia type 9; Hereditary spastic paraplegia 63. Last evaluated: 2022-08-31. Review status: criteria provided, single submitter. Criteria: Invitae Variant Classification Sherloc (09022015). Collection method: clinical testing. Allele origin: germline.
Comment: This sequence change replaces proline, which is neutral and non-polar, with leucine, which is neutral and non-polar, at codon 612 of the AMPD2 protein (p.Pro612Leu). This variant is present in population databases (rs780742359, gnomAD 0.006%). This variant has not been reported in the literature in individuals affected with AMPD2-related conditions. ClinVar contains an entry for this variant (Variation ID: 1352505). Algorithms developed to predict the effect of missense changes on protein structure and function are either unavailable or do not agree on the potential impact of this missense change (SIFT: "Deleterious"; PolyPhen-2: "Probably Damaging"; Align-GVGD: "Class C0"). In summary, the available evidence is currently insufficient to determine the role of this variant in disease. Therefore, it has been classified as a Variant of Uncertain Significance.

NM_001368809.2(AMPD2):c.1673C>T (p.Pro558Leu)

Genes: AMPD2 (adenosine monophosphate deaminase 2; plus strand), LOC126805822 (BRD4-independent group 4 enhancer GRCh37_chr1:110170748-110171947; plus strand). Cytogenetic location: 1p13.3.
Variant type: single nucleotide variant.
Coding change: c.1673C>T on transcript NM_001368809.2 (MANE Select); coding-DNA position 1673, C replaced by T.
Protein change: p.Pro558Leu; replaces proline 558 with leucine.
Molecular consequence: missense variant.
Genome position (GRCh38, 1-based): chr1:109,629,210, C>T. VCF-style: chr1-109629210-C-T. GRCh37 (hg19) VCF-style: chr1-110171832-C-T.
Other names: c.1481C>T, p.Pro494Leu (NM_001257361.2); c.1610C>T, p.Pro537Leu (NM_001308170.1); c.1673C>T, p.Pro558Leu (NM_004037.9); c.1592C>T, p.Pro531Leu (NM_139156.4); short protein forms P537L, P494L, P558L, P531L.
Identifiers: ClinVar variation 1352505 (VCV001352505.3), dbSNP rs780742359, ClinGen allele CA993154.